The following is an entry in ClinVar:

NM_015404.4(WHRN):c.1612G>A (p.Val538Ile)

Gene: WHRN (whirlin; minus strand). Cytogenetic location: 9q32.
Variant type: single nucleotide variant.
Coding change: c.1612G>A on transcript NM_015404.4 (MANE Select); coding-DNA position 1612, G replaced by A.
Protein change: p.Val538Ile; replaces valine 538 with isoleucine.
Molecular consequence: missense variant.
Genome position (GRCh38, 1-based): chr9:114,423,328, C>T on the plus strand (G>A on the coding strand, the complement: WHRN is on the minus strand). VCF-style: chr9-114423328-C-T. GRCh37 (hg19) VCF-style: chr9-117185608-C-T.
Other names: c.463G>A, p.Val155Ile (NM_001083885.3); c.1612G>A, p.Val538Ile (NM_001173425.2); c.559G>A, p.Val187Ile (NM_001346890.1); c.1612G>A (NM_015404.2); short protein forms V155I, V187I, V538I.
Identifiers: ClinVar variation 1376300 (VCV001376300.6), dbSNP rs781298298, ClinGen allele CA5205895.

ClinVar aggregate classification (germline): Uncertain significance. Review status: criteria provided, multiple submitters, no conflicts (2 of 4 stars). 2 submissions from 2 submitters: Uncertain significance (2). Last evaluated 2024-07-08.

Allele frequency attached by ClinVar (database versions not stated): gnomAD 0.00002.
gnomAD v4.1: 38 of 1,613,822 alleles (0.0024%); highest among the groups gnomAD compares: East Asian, 0.0045%; no homozygotes.

Submissions (2):

GeneDx
Classification: Uncertain significance. Last evaluated: 2024-07-08. Review status: criteria provided, single submitter. Criteria: GeneDx Variant Classification Process June 2021. Collection method: clinical testing. Allele origin: germline. Affected: yes.
Comment: Not observed at significant frequency in large population cohorts (gnomAD); In silico analysis indicates that this missense variant does not alter protein structure/function; Has not been previously published as pathogenic or benign to our knowledge

Labcorp Genetics (formerly Invitae), Labcorp
Classification: Uncertain significance. Last evaluated: 2022-02-02. Review status: criteria provided, single submitter. Criteria: Invitae Variant Classification Sherloc (09022015). Collection method: clinical testing. Allele origin: germline.
Comment: This sequence change replaces valine, which is neutral and non-polar, with isoleucine, which is neutral and non-polar, at codon 538 of the WHRN protein (p.Val538Ile). This variant is present in population databases (rs781298298, gnomAD 0.004%). This variant has not been reported in the literature in individuals affected with WHRN-related conditions. Algorithms developed to predict the effect of missense changes on protein structure and function (SIFT, PolyPhen-2, Align-GVGD) all suggest that this variant is likely to be tolerated. In summary, the available evidence is currently insufficient to determine the role of this variant in disease. Therefore, it has been classified as a Variant of Uncertain Significance.